The following is an entry in ClinVar:

ClinVar aggregate classification (germline): Benign/Likely benign. Review status: criteria provided, multiple submitters, no conflicts (2 of 4 stars). 2 submissions from 2 submitters: Benign (1); Likely benign (1). Last evaluated 2026-02-05.

Conditions:
Atypical hemolytic-uremic syndrome. Identifiers: Orphanet 2134, MedGen C2931788, MONDO:0016244.
Basal laminar drusen. Also called: DRUSEN OF BRUCH MEMBRANE; DRUSEN, CUTICULAR; DRUSEN, EARLY ADULT-ONSET, GROUPED. Identifiers: Orphanet 75376, MedGen C0730295, MONDO:0007472, OMIM 126700.
Factor H deficiency (CFHD). Also called: COMPLEMENT FACTOR H DEFICIENCY; CFH DEFICIENCY. Identifiers: Orphanet 200421, MedGen C0398777, MONDO:0012350, OMIM 609814.
Age related macular degeneration 4. Identifiers: MedGen C1853147, MONDO:0012540, OMIM 610698.

Submissions (2):

Women's Health and Genetics/Laboratory Corporation of America, LabCorp
Classification: Benign. Last evaluated: 2026-02-05. Review status: criteria provided, single submitter. Criteria: LabCorp Variant Classification Summary - May 2015. Collection method: clinical testing. Allele origin: germline.
Comment: Variant summary: CFH c.1160-22_1160-19delTTAT alters a nucleotide located at a position not widely known to affect splicing. Consensus agreement among computation tools predict no significant impact on normal splicing. However, these predictions have yet to be confirmed by functional studies. The variant allele was found at a frequency of 0.00035 in 216198 control chromosomes, predominantly at a frequency of 0.0043 within the African or African-American subpopulation in the gnomAD database. The observed variant frequency within African or African-American control individuals in the gnomAD database exceeds the estimated maximal expected allele frequency for disease-causing variants in CFH. To our knowledge, no occurrence of c.1160-22_1160-19delTTAT in individuals affected with CFH-related conditions and no experimental evidence demonstrating its impact on protein function have been reported. No submitters have cited clinical-significance assessments for this variant to ClinVar. Based on the evidence outlined above, the variant was classified as benign.

Genomenon, Inc
Classification: Likely benign for Basal laminar drusen; Age related macular degeneration 4; Atypical hemolytic-uremic syndrome; Factor H deficiency. Last evaluated: 2025-10-02. Review status: criteria provided, single submitter. Criteria: Genomenon Sequence Variant Interpretation Standards - Updated. Collection method: curation. Allele origin: germline. Affected: no.
Comment: CFH c.1160-22_1160-19del is a deletion variant located in intron 8. This variant has been reported in the published literature (PMID:33841869). This variant’s allele frequency in gnomAD is greater than expected for this disorder. In conclusion, we classify CFH c.1160-22_1160-19del as a likely benign variant.

Literature cited by the submitters: PubMed 33841869 (cited by Genomenon, Inc).

NM_000186.4(CFH):c.1160-31TTTA[2]

Gene: CFH (complement factor H; plus strand). Cytogenetic location: 1q31.3.
Variant type: Microsatellite.
Coding change: c.1160-31TTTA[2] on transcript NM_000186.4 (MANE Select); two copies in a row of the 4-base unit TTTA starting at c.1160-31.
Molecular consequence: intron variant.
Genome position: GRCh38 VCF-style: chr1-196690031-CTTTA-C. GRCh37 (hg19) VCF-style: chr1-196659161-CTTTA-C.
Other names: c.1160-22_1160-19delTTAT (NM_000186.4); c.1160-31TTTA[2] (NM_001014975.3); c.1160-22_1160-19del (NM_000186.4).
Identifiers: ClinVar variation 4291368 (VCV004291368.2).